The following is an entry in ClinVar:

NM_001330588.2(TPP2):c.1534G>A (p.Val512Ile)

Gene: TPP2 (tripeptidyl peptidase 2; plus strand). Cytogenetic location: 13q33.1.
Variant type: single nucleotide variant.
Coding change: c.1534G>A on transcript NM_001330588.2 (MANE Select); coding-DNA position 1534, G replaced by A.
Protein change: p.Val512Ile; replaces valine 512 with isoleucine.
Molecular consequence: missense variant. On other transcripts: non-coding transcript variant (1).
Genome position (GRCh38, 1-based): chr13:102,636,248, G>A. VCF-style: chr13-102636248-G-A. GRCh37 (hg19) VCF-style: chr13-103288598-G-A.
Other names: p.Val512Ile; c.1534G>A, p.Val512Ile (NM_001367947.1, NM_003291.4, LRG_1341t1); short protein forms V512I.
Identifiers: ClinVar variation 544313 (VCV000544313.15), dbSNP rs73578896, ClinGen allele CA7037766.

ClinVar aggregate classification (germline): Benign/Likely benign. Review status: criteria provided, multiple submitters, no conflicts (2 of 4 stars). 4 submissions from 4 submitters: Benign (3); Likely benign (1). Last evaluated 2026-01-13.

Conditions:
Evans syndrome, immunodeficiency, and premature immunosenescence associated with tripeptidyl-peptidase II deficiency. Identifiers: MedGen CN231723. Disease mechanism: loss of function.

Allele frequency attached by ClinVar (database versions not stated): gnomAD 0.00321 and 0.00339; ESP Exome Variant Server 0.00346; TOPMed 0.00347; 1000 Genomes Project 0.00359; 1000 Genomes Project 30x 0.00453.
gnomAD v4.1: 931 of 1,612,336 alleles (0.058%); highest among the groups gnomAD compares: African/African-American, 1.1%; 10 homozygotes.

Submissions (4):

Labcorp Genetics (formerly Invitae), Labcorp
Classification: Benign for Evans syndrome, immunodeficiency, and premature immunosenescence associated with tripeptidyl-peptidase II deficiency. Last evaluated: 2026-01-13. Review status: criteria provided, single submitter. Criteria: Invitae Variant Classification Sherloc (09022015). Collection method: clinical testing. Allele origin: germline.

Blueprint Genetics
Classification: Likely benign. Last evaluated: 2024-11-26. Review status: criteria provided, single submitter. Criteria: ACMG Guidelines, 2015. Collection method: clinical testing. Allele origin: germline.

Mayo Clinic Laboratories, Mayo Clinic
Classification: Benign. Last evaluated: 2024-11-11. Review status: criteria provided, single submitter. Criteria: ACMG Guidelines, 2015. Collection method: clinical testing. Allele origin: germline. Observed: 4 variant alleles.
Comment: BS1, BS2, BP4

Breakthrough Genomics
Classification: Benign. Review status: criteria provided, single submitter. Criteria: ACMG Guidelines, 2015. Collection method: not provided. Allele origin: germline. Inheritance: Autosomal recessive inheritance. Affected: yes.